The following is an entry in ClinVar:

ClinVar aggregate classification (germline): Uncertain significance (1 of 4 stars; one submission).

Submission:

Dasa
Classification: Uncertain significance. Last evaluated: 2026-02-16. Review status: criteria provided, single submitter. Criteria: DASA Assertion Criteria. Collection method: clinical testing. Allele origin: germline.
Comment: NM_201599.3(ZMYM3):c.1039C>T (p.Pro347Ser) is a missense variant that results in the substitution of proline with serine. This variant is rare in population databases. The currently available literature and clinical evidence are not sufficient to establish a definitive association between this variant and the reported condition. Therefore, this variant is classified as a variant of uncertain significance.

NM_201599.3(ZMYM3):c.1039C>T (p.Pro347Ser)

Gene: ZMYM3 (zinc finger MYM-type containing 3; minus strand). Cytogenetic location: Xq13.1.
Variant type: single nucleotide variant.
Coding change: c.1039C>T on transcript NM_201599.3 (MANE Select); coding-DNA position 1039, C replaced by T.
Protein change: p.Pro347Ser; replaces proline 347 with serine.
Molecular consequence: missense variant.
Genome position (GRCh38, 1-based): chrX:71,250,466, G>A on the plus strand (C>T on the coding strand, the complement: ZMYM3 is on the minus strand). VCF-style: chrX-71250466-G-A. GRCh37 (hg19) VCF-style: chrX-70470316-G-A.
Other names: c.1039C>T, p.Pro347Ser (NM_001171162.1, NM_001171163.1, NM_005096.3); short protein forms P347S.
Identifiers: ClinVar variation 4885501 (VCV004885501.2).